The following is an entry in ClinVar:

ClinVar aggregate classification (germline): Pathogenic (1 of 4 stars; one submission).

Conditions:
Neurofibromatosis, type 1 (NF1). Also called: Neurofibromatosis, type I; NEUROFIBROMATOSIS, TYPE I, SOMATIC; Peripheral type neurofibromatosis; VON RECKLINGHAUSEN DISEASE. Identifiers: Orphanet 636, MedGen C0027831, MONDO:0018975, OMIM 162200. Disease mechanism: loss of function.

Submission:

Labcorp Genetics (formerly Invitae), Labcorp
Classification: Pathogenic for Neurofibromatosis, type 1. Last evaluated: 2022-11-03. Review status: criteria provided, single submitter. Criteria: Invitae Variant Classification Sherloc (09022015). Collection method: clinical testing. Allele origin: germline.
Comment: For these reasons, this variant has been classified as Pathogenic. This premature translational stop signal has been observed in individual(s) with neurofibromatosis, type 1 (PMID: 29618358). This variant is not present in population databases (gnomAD no frequency). This sequence change creates a premature translational stop signal (p.Lys1717*) in the NF1 gene. It is expected to result in an absent or disrupted protein product. Loss-of-function variants in NF1 are known to be pathogenic (PMID: 10712197, 23913538).

Literature cited by the submitters: PubMed 29618358; PubMed 10712197; PubMed 23913538.

NM_001042492.3(NF1):c.5212A>T (p.Lys1738Ter)

Gene: NF1 (neurofibromin 1; plus strand). Cytogenetic location: 17q11.2.
Variant type: single nucleotide variant.
Coding change: c.5212A>T on transcript NM_001042492.3 (MANE Select); coding-DNA position 5212, A replaced by T.
Protein change: p.Lys1738Ter; replaces lysine 1738 with a stop codon.
Molecular consequence: nonsense.
Genome position (GRCh38, 1-based): chr17:31,326,196, A>T. VCF-style: chr17-31326196-A-T. GRCh37 (hg19) VCF-style: chr17-29653214-A-T.
Other names: c.5149A>T, p.Lys1717Ter (NM_000267.4); short protein forms K1717*, K1738*.
Identifiers: ClinVar variation 2910422 (VCV002910422.3), dbSNP rs2069337096, ClinGen allele CA399008154.